The following is an entry in ClinVar:

NM_003482.4(KMT2D):c.2521_2522del (p.Cys841fs)

Gene: KMT2D (lysine methyltransferase 2D; minus strand). Cytogenetic location: 12q13.12.
Variant type: Deletion.
Coding change: c.2521_2522del on transcript NM_003482.4 (MANE Select); coding-DNA positions 2521 to 2522, 2 bases deleted (TG; older notation c.2521_2522delTG).
Protein change: p.Cys841fs; shifts the reading frame from cysteine 841.
Molecular consequence: frameshift variant.
Genome position (GRCh38, 1-based): chr12:49,051,161-49,051,162, CA deleted on the plus strand (TG on the coding strand, the reverse complement: KMT2D is on the minus strand). VCF-style (leftmost placement, unchanged base first): chr12-49051160-GCA-G. GRCh37 (hg19) VCF-style: chr12-49444943-GCA-G.
Other names: short protein forms C841fs.
Identifiers: ClinVar variation 4880053 (VCV004880053.1).

ClinVar aggregate classification (germline): Likely pathogenic (1 of 4 stars; one submission).

Conditions:
Primary ciliary dyskinesia. Also called: Ciliary dyskinesia. Identifiers: Orphanet 244, MedGen C0008780, MONDO:0016575, HP:0012265.

Submission:

Department of Human Genetics, Hannover Medical School
Classification: Likely pathogenic for Primary Ciliary Dyskinesia. Last evaluated: 2026-04-01. Review status: criteria provided, single submitter. Criteria: ACMG Guidelines, 2015. Collection method: research. Allele origin: germline. Affected: no.
Comment: Classification performed by HerediClassify using the following criteria:['PM2_supporting: Variant occures does not occur as homozygous in gnomAD.', 'PVS1_protein_very_strong: Transcript ENST00000301067 is predicted to undergo NMD.']